The following is an entry in ClinVar:

ClinVar aggregate classification (germline): Benign/Likely benign. Review status: criteria provided, multiple submitters, no conflicts (2 of 4 stars). 5 submissions from 5 submitters: Benign (4); Likely benign (1). Last evaluated 2026-02-02.

Conditions:
Myopathy, proximal, and ophthalmoplegia (CMYO6). Also called: INCLUSION BODY MYOPATHY 3, AUTOSOMAL DOMINANT; CONGENITAL MYOPATHY 6 WITH OPHTHALMOPLEGIA; MYOPATHY WITH CONGENITAL JOINT CONTRACTURES, OPHTHALMOPLEGIA, AND RIMMED VACUOLES. Identifiers: Orphanet 363677, Orphanet 79091, MedGen C1854106, MONDO:0011577, OMIM 605637.

Allele frequency attached by ClinVar (database versions not stated): gnomAD 0.00516 and 0.00548; TOPMed 0.00578; 1000 Genomes Project 30x 0.00609; 1000 Genomes Project 0.00619; ESP Exome Variant Server 0.00730.

Submissions (5):

Labcorp Genetics (formerly Invitae), Labcorp
Classification: Benign for Myopathy, proximal, and ophthalmoplegia. Last evaluated: 2026-02-02. Review status: criteria provided, single submitter. Criteria: Invitae Variant Classification Sherloc (09022015). Collection method: clinical testing. Allele origin: germline.

Blueprint Genetics
Classification: Likely benign. Last evaluated: 2024-11-14. Review status: criteria provided, single submitter. Criteria: ACMG Guidelines, 2015. Collection method: clinical testing. Allele origin: germline.

GeneDx
Classification: Benign. Last evaluated: 2019-10-18. Review status: criteria provided, single submitter. Criteria: GeneDx Variant Classification Process June 2021. Collection method: clinical testing. Allele origin: germline. Affected: yes.

Illumina Laboratory Services, Illumina
Classification: Benign for Myopathy, proximal, and ophthalmoplegia. Last evaluated: 2018-01-13. Review status: criteria provided, single submitter. Criteria: ICSL Variant Classification Criteria 13 December 2019. Collection method: clinical testing. Allele origin: germline.
Comment: This variant was observed in the ICSL laboratory as part of a predisposition screen in an ostensibly healthy population. It had not been previously curated by ICSL or reported in the Human Gene Mutation Database (HGMD: prior to June 1st, 2018), and was therefore a candidate for classification through an automated scoring system. Utilizing variant allele frequency, disease prevalence and penetrance estimates, and inheritance mode, an automated score was calculated to assess if this variant is too frequent to cause the disease. Based on the score and internal cut-off values, a variant classified as benign is not then subjected to further curation. The score for this variant resulted in a classification of benign for this disease.

Breakthrough Genomics
Classification: Benign. Review status: criteria provided, single submitter. Criteria: ACMG Guidelines, 2015. Collection method: not provided. Allele origin: germline. Inheritance: Autosomal dominant inheritance. Affected: yes.

NM_017534.6(MYH2):c.4242C>T (p.Asn1414=)

Genes: MYH2 (myosin heavy chain 2; minus strand), MYHAS (myosin heavy chain gene cluster antisense RNA; plus strand). Cytogenetic location: 17p13.1.
Variant type: single nucleotide variant.
Coding change: c.4242C>T on transcript NM_017534.6 (MANE Select); coding-DNA position 4242, C replaced by T.
Protein change: p.Asn1414=; no amino-acid change (asparagine 1414 retained).
Molecular consequence: synonymous variant.
Genome position (GRCh38, 1-based): chr17:10,525,822, G>A on the plus strand (C>T on the coding strand, the complement: MYH2 is on the minus strand). VCF-style: chr17-10525822-G-A. GRCh37 (hg19) VCF-style: chr17-10429139-G-A.
Other names: c.4242C>T, p.Asn1414= (NM_001100112.2).
Identifiers: ClinVar variation 465939 (VCV000465939.25), dbSNP rs146615128, ClinGen allele CA8390684.